The following is an entry in ClinVar:

ClinVar aggregate classification (germline): Likely benign (1 of 4 stars; one submission).

Submission:

Mayo Clinic Laboratories, Mayo Clinic
Classification: Likely benign. Last evaluated: 2025-12-13. Review status: criteria provided, single submitter. Criteria: ACMG Guidelines, 2015. Collection method: clinical testing. Allele origin: germline. Observed: 3 variant alleles.
Comment: BP4, BP7

NM_019109.5(ALG1):c.1218T>C (p.Asn406=)

Gene: ALG1 (ALG1 chitobiosyldiphosphodolichol beta-mannosyltransferase; plus strand). Cytogenetic location: 16p13.3.
Variant type: single nucleotide variant.
Coding change: c.1218T>C on transcript NM_019109.5 (MANE Select); coding-DNA position 1218, T replaced by C.
Protein change: p.Asn406=; no amino-acid change (asparagine 406 retained).
Molecular consequence: synonymous variant.
Genome position (GRCh38, 1-based): chr16:5,083,712, T>C. VCF-style: chr16-5083712-T-C. GRCh37 (hg19) VCF-style: chr16-5133713-T-C.
Other names: p.Asn406=; c.885T>C, p.Asn295= (NM_001330504.2); c.1179T>C, p.Asn393= (NM_001438123.1).
Identifiers: ClinVar variation 4684073 (VCV004684073.1).